The following is an entry in ClinVar:

ClinVar aggregate classification (germline): Uncertain significance (1 of 4 stars; one submission).

Conditions:
Peutz-Jeghers syndrome (PJS). Also called: POLYPOSIS, HAMARTOMATOUS INTESTINAL; POLYPS-AND-SPOTS SYNDROME; Peutz-Jeghers polyposis; Periorificial lentiginosis syndrome. Identifiers: Orphanet 2869, MedGen C0031269, MeSH D010580, MONDO:0008280, OMIM 175200.

Submission:

Labcorp Genetics (formerly Invitae), Labcorp
Classification: Uncertain significance for Peutz-Jeghers syndrome. Last evaluated: 2025-11-18. Review status: criteria provided, single submitter. Criteria: Invitae Variant Classification Sherloc (09022015). Collection method: clinical testing. Allele origin: germline.
Comment: This sequence change replaces lysine, which is basic and polar, with threonine, which is neutral and polar, at codon 122 of the STK11 protein (p.Lys122Thr). This variant is not present in population databases (gnomAD no frequency). This variant has not been reported in the literature in individuals affected with STK11-related conditions. Invitae Evidence Modeling of protein sequence and biophysical properties (such as structural, functional, and spatial information, amino acid conservation, physicochemical variation, residue mobility, and thermodynamic stability) has been performed for this missense variant. However, the output from this modeling did not meet the statistical confidence thresholds required to predict the impact of this variant on STK11 protein function. In summary, the available evidence is currently insufficient to determine the role of this variant in disease. Therefore, it has been classified as a Variant of Uncertain Significance.

NM_000455.5(STK11):c.365A>C (p.Lys122Thr)

Gene: STK11 (serine/threonine kinase 11; plus strand). Cytogenetic location: 19p13.3.
Variant type: single nucleotide variant.
Coding change: c.365A>C on transcript NM_000455.5 (MANE Select); coding-DNA position 365, A replaced by C.
Protein change: p.Lys122Thr; replaces lysine 122 with threonine.
Molecular consequence: missense variant. On other transcripts: non-coding transcript variant (1).
Genome position (GRCh38, 1-based): chr19:1,218,491, A>C. VCF-style: chr19-1218491-A-C. GRCh37 (hg19) VCF-style: chr19-1218490-A-C.
Other names: c.365A>C, p.Lys122Thr (NM_001407255.1); short protein forms K122T.
Identifiers: ClinVar variation 4747128 (VCV004747128.1).